The following is an entry in ClinVar:

ClinVar aggregate classification (germline): Pathogenic (1 of 4 stars; one submission).

Conditions:
Juvenile polyposis syndrome (JPS). Identifiers: Orphanet 2929, MedGen C0345893, MONDO:0017380, OMIM 174900.

Submission:

Labcorp Genetics (formerly Invitae), Labcorp
Classification: Pathogenic for Juvenile polyposis syndrome. Last evaluated: 2025-08-19. Review status: criteria provided, single submitter. Criteria: Invitae Variant Classification Sherloc (09022015). Collection method: clinical testing. Allele origin: germline.
Comment: This sequence change falls in intron 3 of the BMPR1A gene. It does not directly change the encoded amino acid sequence of the BMPR1A protein. RNA analysis indicates that this variant induces altered splicing and may result in an absent or altered protein product. This variant is not present in population databases (gnomAD no frequency). This variant has not been reported in the literature in individuals affected with BMPR1A-related conditions. Studies have shown that this variant results in activation of a cryptic splice site, and produces a non-functional protein and/or introduces a premature termination codon (internal data). For these reasons, this variant has been classified as Pathogenic.

NM_004329.3(BMPR1A):c.68-3710_68-3696delinsCC

Gene: BMPR1A (bone morphogenetic protein receptor type 1A; plus strand). Cytogenetic location: 10q23.2.
Variant type: Indel.
Coding change: c.68-3710_68-3696delinsCC on transcript NM_004329.3 (MANE Select); 3710 bases into the intron before coding-DNA position 68 through 3696 bases into the intron before coding-DNA position 68, TCTGTGGAAAATGGA replaced by CC.
Molecular consequence: intron variant.
Genome position (GRCh38, 1-based): chr10:86,886,352-86,886,366, TCTGTGGAAAATGGA replaced by CC. VCF-style: chr10-86886352-TCTGTGGAAAATGGA-CC. GRCh37 (hg19) VCF-style: chr10-88646109-TCTGTGGAAAATGGA-CC.
Other names: c.68-3710_68-3696delinsCC (NM_001406562.1, NM_001406568.1, NM_001406567.1 and 23 more transcripts); c.-17-3710_-17-3696delinsCC (NM_001406584.1, NM_001406587.1, NM_001406585.1); c.-12-3715_-12-3701delinsCC (NM_001406588.1, NM_001406586.1).
Identifiers: ClinVar variation 2753633 (VCV002753633.3), dbSNP rs2539407411, ClinGen allele CA2697558518.
Genomic context (GRCh38, chr10:86,886,352, plus strand): 5'-GCCATTGATTGGTTTTATATAGGAGTGACAGATTTGTGTTTATAAAATGTCTCTGGCTGC[TCTGTGGAAAATGGA>CC]TTGCAGGGACCAAGAGCAGAAGCAGAGGGAACAGTTGGAGACTTCTTACCTTAGTAGAGG-3'